The following is an entry in ClinVar:

ClinVar aggregate classification (germline): Uncertain significance (1 of 4 stars; one submission).

Submission:

Labcorp Genetics (formerly Invitae), Labcorp
Classification: Uncertain significance. Last evaluated: 2022-08-08. Review status: criteria provided, single submitter. Criteria: Invitae Variant Classification Sherloc (09022015). Collection method: clinical testing. Allele origin: germline.
Comment: This variant is not present in population databases (gnomAD no frequency). This sequence change replaces aspartic acid, which is acidic and polar, with glycine, which is neutral and non-polar, at codon 219 of the COL11A1 protein (p.Asp219Gly). This variant has not been reported in the literature in individuals affected with COL11A1-related conditions. Advanced modeling of protein sequence and biophysical properties (such as structural, functional, and spatial information, amino acid conservation, physicochemical variation, residue mobility, and thermodynamic stability) performed at Invitae indicates that this missense variant is not expected to disrupt COL11A1 protein function. In summary, the available evidence is currently insufficient to determine the role of this variant in disease. Therefore, it has been classified as a Variant of Uncertain Significance.

NM_001854.4(COL11A1):c.656A>G (p.Asp219Gly)

Gene: COL11A1 (collagen type XI alpha 1 chain; minus strand). Cytogenetic location: 1p21.1.
Variant type: single nucleotide variant.
Coding change: c.656A>G on transcript NM_001854.4 (MANE Select); coding-DNA position 656, A replaced by G.
Protein change: p.Asp219Gly; replaces aspartic acid 219 with glycine.
Molecular consequence: missense variant. On other transcripts: non-coding transcript variant (1).
Genome position (GRCh38, 1-based): chr1:103,031,240, T>C on the plus strand (A>G on the coding strand, the complement: COL11A1 is on the minus strand). VCF-style: chr1-103031240-T-C. GRCh37 (hg19) VCF-style: chr1-103496796-T-C.
Other names: c.656A>G, p.Asp219Gly (NM_001168249.1, NM_001190709.2, NM_080629.3 and 1 more transcripts); short protein forms D219G.
Identifiers: ClinVar variation 1903591 (VCV001903591.5), dbSNP rs1268801503, ClinGen allele CA341160084.
Genomic context (GRCh38, chr1:103,031,240, plus strand): 5'-TAATGCTCACAGTAGTCATATGCTGCCTTGGGATCACCTGTGATCAAAAACTGCTGAATG[T>C]CCCCCTGGGAAAAAAAAAAAAACAAAAACAAACAGACACAGATTCAGTTAGCATATTAAA-3'
Protein context (NP_001845.3, residues 209-229): RILDEEVFEG[Asp219Gly]IQQFLITGDP